The following is an entry in ClinVar:

NM_001114753.3(ENG):c.788T>G (p.Ile263Ser)

Gene: ENG (endoglin; minus strand). Cytogenetic location: 9q34.11.
Variant type: single nucleotide variant.
Coding change: c.788T>G on transcript NM_001114753.3 (MANE Select); coding-DNA position 788, T replaced by G.
Protein change: p.Ile263Ser; replaces isoleucine 263 with serine.
Molecular consequence: missense variant.
Genome position (GRCh38, 1-based): chr9:127,825,259, A>C on the plus strand (T>G on the coding strand, the complement: ENG is on the minus strand). VCF-style: chr9-127825259-A-C. GRCh37 (hg19) VCF-style: chr9-130587538-A-C.
Other names: c.788T>G, p.Ile263Ser (NM_000118.4, NM_001406715.1); c.242T>G, p.Ile81Ser (NM_001278138.2); short protein forms I263S, I81S.
Identifiers: ClinVar variation 1330519 (VCV001330519.7), dbSNP rs1085307431, ClinGen allele CA374983166.
Genomic context (GRCh38, chr9:127,825,259, plus strand): 5'-GTTTTGTGTCCCGGGAGCTGCGCACAACTCACCCAGATCTGCATGTTGTGGTTGGCGTCG[A>C]TGAGCCAGGACACGTAGGGGGGACCCTGCAGGATGAGGACGGCATCGAGATCCCCGGGTG-3'
Protein context (NP_001108225.1, residues 253-273): LQGPPYVSWL[Ile263Ser]DANHNMQIWT

ClinVar aggregate classification (germline): Likely pathogenic (1 of 4 stars; one submission).

Conditions:
Telangiectasia, hereditary hemorrhagic, type 1 (HHT1). Also called: Osler Weber Rendu syndrome type 1; ENG-Related Hereditary Hemorrhagic Telangiectasia. Identifiers: Orphanet 774, MedGen C4551861, MONDO:0008535, OMIM 187300. Disease mechanism: loss of function.

Submission:

ARUP Laboratories, Molecular Genetics and Genomics, ARUP Laboratories
Classification: Likely pathogenic for Telangiectasia, hereditary hemorrhagic, type 1. Last evaluated: 2021-01-20. Review status: criteria provided, single submitter. Criteria: ARUP Molecular Germline Variant Investigation Process 2021. Collection method: clinical testing. Allele origin: germline.
Comment: The ENG c.788T>G; p.Ile263Ser variant, is reported in the literature in an individual with symptoms of HHT (Richards-Yutz 2010). Other variants at this codon (Ile263Asn, Ile263Thr) are also reported in individuals and families with HHT (Chen 2013, Lesca 2004). The p.Ile263Ser variant is absent from general population databases (Exome Variant Server, Genome Aggregation Database), indicating it is not a common polymorphism. The isoleucine at codon 263 is moderately conserved, and computational analyses (SIFT, PolyPhen-2) predict that this variant is deleterious. Based on available information, this variant is considered to be likely pathogenic. References: Chen YJ et al. Clinical and genetic characteristics of Chinese patients with hereditary haemorrhagic telangiectasia-associated pulmonary hypertension. Eur J Clin Invest. 2013 Oct;43(10):1016-24. Lesca G et al. French Rendu-Osler Network. Molecular screening of ALK1/ACVRL1 and ENG genes in hereditary hemorrhagic telangiectasia in France. Hum Mutat. 2004 Apr;23(4):289-99. Richards-Yutz J et al. Update on molecular diagnosis of hereditary hemorrhagic telangiectasia. Hum Genet. 2010 Jul;128(1):61-77.